The following is an entry in ClinVar:

NM_004655.4(AXIN2):c.1826C>G (p.Pro609Arg)

Gene: AXIN2 (axin 2; minus strand). Cytogenetic location: 17q24.1.
Variant type: single nucleotide variant.
Coding change: c.1826C>G on transcript NM_004655.4 (MANE Select); coding-DNA position 1826, C replaced by G.
Protein change: p.Pro609Arg; replaces proline 609 with arginine.
Molecular consequence: missense variant. On other transcripts: intron variant (1).
Genome position (GRCh38, 1-based): chr17:65,536,950, G>C on the plus strand (C>G on the coding strand, the complement: AXIN2 is on the minus strand). VCF-style: chr17-65536950-G-C. GRCh37 (hg19) VCF-style: chr17-63533068-G-C.
Other names: c.1712+374C>G (NM_001363813.1); short protein forms P609R.
Identifiers: ClinVar variation 1372578 (VCV001372578.8), dbSNP rs370618491, ClinGen allele CA400676548.

ClinVar aggregate classification (germline): Uncertain significance (1 of 4 stars; one submission).

Conditions:
Oligodontia-cancer predisposition syndrome. Also called: TOOTH AGENESIS-COLORECTAL CANCER SYNDROME. Identifiers: Orphanet 300576, MedGen C1837750, MONDO:0012075, OMIM 608615. Disease mechanism: loss of function.

Submission:

Labcorp Genetics (formerly Invitae), Labcorp
Classification: Uncertain significance for Oligodontia-cancer predisposition syndrome. Last evaluated: 2021-02-15. Review status: criteria provided, single submitter. Criteria: Invitae Variant Classification Sherloc (09022015). Collection method: clinical testing. Allele origin: germline.
Comment: This sequence change replaces proline with arginine at codon 609 of the AXIN2 protein (p.Pro609Arg). The proline residue is highly conserved and there is a moderate physicochemical difference between proline and arginine. This variant is not present in population databases (ExAC no frequency). This variant has not been reported in the literature in individuals with AXIN2-related conditions. Algorithms developed to predict the effect of missense changes on protein structure and function (SIFT, PolyPhen-2, Align-GVGD) all suggest that this variant is likely to be disruptive, but these predictions have not been confirmed by published functional studies and their clinical significance is uncertain. In summary, the available evidence is currently insufficient to determine the role of this variant in disease. Therefore, it has been classified as a Variant of Uncertain Significance.